The following is an entry in ClinVar:

NM_152305.3(POGLUT1):c.1159A>T (p.Met387Leu)

Gene: POGLUT1 (protein O-glucosyltransferase 1; plus strand). Cytogenetic location: 3q13.33.
Variant type: single nucleotide variant.
Coding change: c.1159A>T on transcript NM_152305.3 (MANE Select); coding-DNA position 1159, A replaced by T.
Protein change: p.Met387Leu; replaces methionine 387 with leucine.
Molecular consequence: missense variant. On other transcripts: non-coding transcript variant (1).
Genome position (GRCh38, 1-based): chr3:119,492,418, A>T. VCF-style: chr3-119492418-A-T. GRCh37 (hg19) VCF-style: chr3-119211265-A-T.
Other names: c.1159A>T (NM_152305.2); short protein forms M387L.
Identifiers: ClinVar variation 1627078 (VCV001627078.11), dbSNP rs147559897, ClinGen allele CA2555061.

ClinVar aggregate classification (germline): Benign/Likely benign. Review status: criteria provided, multiple submitters, no conflicts (2 of 4 stars). 3 submissions from 3 submitters: Benign (1); Likely benign (1). 1 of the submissions does not count toward it. Last evaluated 2025-08-26.

Conditions:
POGLUT1-related disorder. Also called: POGLUT1-related condition.

Allele frequency attached by ClinVar (database versions not stated): ESP Exome Variant Server 0.00008; gnomAD exomes 0.00018 and 0.00067; gnomAD 0.00031 and 0.00037; TOPMed 0.00055; ExAC 0.00071; 1000 Genomes Project 30x 0.00156; 1000 Genomes Project 0.00160.
gnomAD v4.1: 356 of 1,603,282 alleles (0.022%); highest among the groups gnomAD compares: East Asian, 0.63%; 1 homozygote.

Submissions (3):

Labcorp Genetics (formerly Invitae), Labcorp
Classification: Benign. Last evaluated: 2025-08-26. Review status: criteria provided, single submitter. Criteria: Invitae Variant Classification Sherloc (09022015). Collection method: clinical testing. Allele origin: germline.

Blueprint Genetics
Classification: Likely benign. Last evaluated: 2024-11-26. Review status: criteria provided, single submitter. Criteria: ACMG Guidelines, 2015. Collection method: clinical testing. Allele origin: germline.

PreventionGenetics, part of Exact Sciences
Classification: Benign for POGLUT1-related condition. Last evaluated: 2020-03-06. Review status: no assertion criteria provided. Collection method: clinical testing. Allele origin: germline. Not counted in ClinVar's aggregate classification.
Comment: This variant is classified as benign based on ACMG/AMP sequence variant interpretation guidelines (Richards et al. 2015 PMID: 25741868, with internal and published modifications).